The following is an entry in ClinVar:

ClinVar aggregate classification (germline): Likely benign (0 of 4 stars; one submission).

Conditions:
CENPF-related disorder. Also called: CENPF-related condition.

Submission:

PreventionGenetics, part of Exact Sciences
Classification: Likely benign for CENPF-related condition. Last evaluated: 2023-08-14. Review status: no assertion criteria provided. Collection method: clinical testing. Allele origin: germline.
Comment: This variant is classified as likely benign based on ACMG/AMP sequence variant interpretation guidelines (Richards et al. 2015 PMID: 25741868, with internal and published modifications).

NM_016343.4(CENPF):c.726T>C (p.Ser242=)

Gene: CENPF (centromere protein F; plus strand). Cytogenetic location: 1q41.
Variant type: single nucleotide variant.
Coding change: c.726T>C on transcript NM_016343.4 (MANE Select); coding-DNA position 726, T replaced by C.
Protein change: p.Ser242=; no amino-acid change (serine 242 retained).
Molecular consequence: synonymous variant.
Genome position (GRCh38, 1-based): chr1:214,620,807, T>C. VCF-style: chr1-214620807-T-C. GRCh37 (hg19) VCF-style: chr1-214794150-T-C.
Identifiers: ClinVar variation 3050977 (VCV003050977.2), dbSNP rs2528347336, ClinGen allele CA423424505.